The following is an entry in ClinVar:

NM_004855.5(PIGB):c.1420G>A (p.Asp474Asn)

Gene: PIGB (phosphatidylinositol glycan anchor biosynthesis class B; plus strand). Cytogenetic location: 15q21.3.
Variant type: single nucleotide variant.
Coding change: c.1420G>A on transcript NM_004855.5 (MANE Select); coding-DNA position 1420, G replaced by A.
Protein change: p.Asp474Asn; replaces aspartic acid 474 with asparagine.
Molecular consequence: missense variant.
Genome position (GRCh38, 1-based): chr15:55,354,880, G>A. VCF-style: chr15-55354880-G-A. GRCh37 (hg19) VCF-style: chr15-55647078-G-A.
Other names: short protein forms D474N.
Identifiers: ClinVar variation 2126661 (VCV002126661.4), dbSNP rs1051919431, ClinGen allele CA392544057.

ClinVar aggregate classification (germline): Uncertain significance (1 of 4 stars; one submission).

gnomAD v4.1: 1 of 1,613,504 alleles (0.000062%); highest among the groups gnomAD compares: African/African-American, 0.0013%; no homozygotes.

Submission:

Labcorp Genetics (formerly Invitae), Labcorp
Classification: Uncertain significance. Last evaluated: 2022-04-16. Review status: criteria provided, single submitter. Criteria: Invitae Variant Classification Sherloc (09022015). Collection method: clinical testing. Allele origin: germline.
Comment: This sequence change replaces aspartic acid, which is acidic and polar, with asparagine, which is neutral and polar, at codon 474 of the PIGB protein (p.Asp474Asn). In summary, the available evidence is currently insufficient to determine the role of this variant in disease. Therefore, it has been classified as a Variant of Uncertain Significance. Algorithms developed to predict the effect of missense changes on protein structure and function are either unavailable or do not agree on the potential impact of this missense change (SIFT: "Deleterious"; PolyPhen-2: "Probably Damaging"; Align-GVGD: "Class C0"). This variant has not been reported in the literature in individuals affected with PIGB-related conditions. This variant is not present in population databases (gnomAD no frequency).